The following is an entry in ClinVar:

ClinVar aggregate classification (germline): Uncertain significance. Review status: criteria provided, multiple submitters, no conflicts (2 of 4 stars). 2 submissions from 2 submitters: Uncertain significance (2). Last evaluated 2024-07-22.

Allele frequency attached by ClinVar (database versions not stated): gnomAD exomes below 0.00001.

Submissions (2):

Mayo Clinic Laboratories, Mayo Clinic
Classification: Uncertain significance. Last evaluated: 2024-07-22. Review status: criteria provided, single submitter. Criteria: ACMG Guidelines, 2015. Collection method: clinical testing. Allele origin: germline. Observed: 1 variant allele.
Comment: BP4, PM2

GeneDx
Classification: Uncertain significance. Last evaluated: 2022-02-07. Review status: criteria provided, single submitter. Criteria: GeneDx Variant Classification Process June 2021. Collection method: clinical testing. Allele origin: germline. Affected: yes.
Comment: Not observed at significant frequency in large population cohorts (gnomAD); In silico analysis supports that this missense variant does not alter protein structure/function; Has not been previously published as pathogenic or benign to our knowledge

NM_000173.7(GP1BA):c.1349C>T (p.Pro450Leu)

Gene: GP1BA (glycoprotein Ib platelet subunit alpha; plus strand). Cytogenetic location: 17p13.2.
Variant type: single nucleotide variant.
Coding change: c.1349C>T on transcript NM_000173.7 (MANE Select); coding-DNA position 1349, C replaced by T.
Protein change: p.Pro450Leu; replaces proline 450 with leucine.
Molecular consequence: missense variant.
Genome position (GRCh38, 1-based): chr17:4,933,953, C>T. VCF-style: chr17-4933953-C-T. GRCh37 (hg19) VCF-style: chr17-4837248-C-T.
Other names: p.Pro450Leu; short protein forms P450L.
Identifiers: ClinVar variation 1700496 (VCV001700496.3), dbSNP rs866547472, ClinGen allele CA287217471.
Genomic context (GRCh38, chr17:4,933,953, plus strand): 5'-CCGCCCCCAGCCCGACCACCCCAGAGCCCACCTCAGAGCCCGCCCCCAGCCCGACCACCC[C>T]GGAGCCCACCCCAATCCCGACCATCGCCACAAGCCCGACCATCCTGGTGTCTGCCACAAG-3'
Protein context (NP_000164.5, residues 440-460): TSEPAPSPTT[Pro450Leu]EPTPIPTIAT